The following is an entry in ClinVar:

ClinVar aggregate classification (germline): Uncertain significance (1 of 4 stars; one submission).

Allele frequency attached by ClinVar (database versions not stated): ExAC 0.00005; gnomAD 0.00006; ESP Exome Variant Server 0.00015; 1000 Genomes Project 30x 0.00016; 1000 Genomes Project 0.00020.
gnomAD v4.1: 20 of 1,603,970 alleles (0.0012%); highest among the groups gnomAD compares: African/African-American, 0.013%; no homozygotes.

Submission:

Labcorp Genetics (formerly Invitae), Labcorp
Classification: Uncertain significance. Last evaluated: 2022-06-05. Review status: criteria provided, single submitter. Criteria: Invitae Variant Classification Sherloc (09022015). Collection method: clinical testing. Allele origin: germline.
Comment: In summary, the available evidence is currently insufficient to determine the role of this variant in disease. Therefore, it has been classified as a Variant of Uncertain Significance. Algorithms developed to predict the effect of missense changes on protein structure and function output the following: SIFT: "Tolerated"; PolyPhen-2: "Benign"; Align-GVGD: "Class C0". The isoleucine amino acid residue is found in multiple mammalian species, which suggests that this missense change does not adversely affect protein function. This variant has not been reported in the literature in individuals affected with CCDC141-related conditions. ClinVar contains an entry for this variant (Variation ID: 1424159). This variant is present in population databases (rs146231973, gnomAD 0.05%). This sequence change replaces methionine, which is neutral and non-polar, with isoleucine, which is neutral and non-polar, at codon 954 of the CCDC141 protein (p.Met954Ile).

NM_173648.4(CCDC141):c.2862G>T (p.Met954Ile)

Gene: CCDC141 (coiled-coil domain containing 141; minus strand). Cytogenetic location: 2q31.2.
Variant type: single nucleotide variant.
Coding change: c.2862G>T on transcript NM_173648.4 (MANE Select); coding-DNA position 2862, G replaced by T.
Protein change: p.Met954Ile; replaces methionine 954 with isoleucine.
Molecular consequence: missense variant.
Genome position (GRCh38, 1-based): chr2:178,856,260, C>A on the plus strand (G>T on the coding strand, the complement: CCDC141 is on the minus strand). VCF-style: chr2-178856260-C-A. GRCh37 (hg19) VCF-style: chr2-179720987-C-A.
Other names: short protein forms M954I.
Identifiers: ClinVar variation 1424159 (VCV001424159.6), dbSNP rs146231973, ClinGen allele CA2006876.